The following is an entry in ClinVar:

NM_006015.6(ARID1A):c.6706C>T (p.Arg2236Cys)

Gene: ARID1A (AT-rich interaction domain 1A; plus strand). Cytogenetic location: 1p36.11.
Variant type: single nucleotide variant.
Coding change: c.6706C>T on transcript NM_006015.6 (MANE Select); coding-DNA position 6706, C replaced by T.
Protein change: p.Arg2236Cys; replaces arginine 2236 with cysteine.
Molecular consequence: missense variant.
Genome position (GRCh38, 1-based): chr1:26,780,604, C>T. VCF-style: chr1-26780604-C-T. GRCh37 (hg19) VCF-style: chr1-27107095-C-T.
Other names: c.6055C>T, p.Arg2019Cys (NM_139135.4); short protein forms R2019C, R2236C.
Identifiers: ClinVar variation 1349330 (VCV001349330.8), dbSNP rs763691986, ClinGen allele CA707877.
Genomic context (GRCh38, chr1:26,780,604, plus strand): 5'-CTCCACATGCAGAACCCACCCTTTGAGCCAACTAGTGTGGACATGATGCGGCGGGCTGCC[C>T]GCGCGCTGCTTGCCTTGGCCAAGGTGGACGAGAACCACTCAGAGTTTACTCTGTACGAAT-3'
Protein context (NP_006006.3, residues 2226-2246): TSVDMMRRAA[Arg2236Cys]ALLALAKVDE

ClinVar aggregate classification (germline): Uncertain significance (1 of 4 stars; one submission).

Allele frequency attached by ClinVar (database versions not stated): ExAC 0.00002; gnomAD exomes 0.00002; TOPMed 0.00002.
gnomAD v4.1: 62 of 1,613,812 alleles (0.0038%); highest among the groups gnomAD compares: Middle Eastern, 0.016%; no homozygotes.

Submission:

Labcorp Genetics (formerly Invitae), Labcorp
Classification: Uncertain significance. Last evaluated: 2025-11-10. Review status: criteria provided, single submitter. Criteria: Invitae Variant Classification Sherloc (09022015). Collection method: clinical testing. Allele origin: germline.
Comment: This sequence change replaces arginine, which is basic and polar, with cysteine, which is neutral and slightly polar, at codon 2236 of the ARID1A protein (p.Arg2236Cys). This variant is present in population databases (rs763691986, gnomAD 0.006%). This missense change has been observed in individual(s) with ARID1A-related conditions (PMID: 35885997, 37500730). ClinVar contains an entry for this variant (Variation ID: 1349330). Invitae Evidence Modeling of protein sequence and biophysical properties (such as structural, functional, and spatial information, amino acid conservation, physicochemical variation, residue mobility, and thermodynamic stability) indicates that this missense variant is expected to disrupt ARID1A protein function with a positive predictive value of 80%. In summary, the available evidence is currently insufficient to determine the role of this variant in disease. Therefore, it has been classified as a Variant of Uncertain Significance.

Literature cited by the submitters: PubMed 35885997; PubMed 37500730.